The following is an entry in ClinVar:

NM_153033.5(KCTD7):c.188C>T (p.Thr63Ile)

Gene: KCTD7 (potassium channel tetramerization domain containing 7; plus strand). Cytogenetic location: 7q11.21.
Variant type: single nucleotide variant.
Coding change: c.188C>T on transcript NM_153033.5 (MANE Select); coding-DNA position 188, C replaced by T.
Protein change: p.Thr63Ile; replaces threonine 63 with isoleucine.
Molecular consequence: missense variant.
Genome position (GRCh38, 1-based): chr7:66,633,318, C>T. VCF-style: chr7-66633318-C-T. GRCh37 (hg19) VCF-style: chr7-66098305-C-T.
Other names: c.188C>T, p.Thr63Ile (NM_001167961.2); short protein forms T63I.
Identifiers: ClinVar variation 937090 (VCV000937090.11), dbSNP rs1258782993, ClinGen allele CA367695525.

ClinVar aggregate classification (germline): Uncertain significance. Review status: criteria provided, multiple submitters, no conflicts (2 of 4 stars). 2 submissions from 2 submitters: Uncertain significance (2). Last evaluated 2024-09-11.

Conditions:
Inborn genetic diseases. Identifiers: MedGen C0950123, MeSH D030342.
Progressive myoclonic epilepsy type 3. Also called: KCTD7-Related Progressive Myoclonic Epilepsy; EPILEPSY, PROGRESSIVE MYOCLONIC, 3, WITH OR WITHOUT INTRACELLULAR INCLUSIONS; CEROID LIPOFUSCINOSIS, NEURONAL, 14; EPILEPSY, PROGRESSIVE MYOCLONIC, 3, WITHOUT INTRACELLULAR INCLUSIONS. Identifiers: Orphanet 263516, MedGen C2673257, MONDO:0012721, OMIM 611726.

Allele frequency attached by ClinVar (database versions not stated): gnomAD exomes below 0.00001.

Submissions (2):

Ambry Genetics
Classification: Uncertain significance for Inborn genetic diseases. Last evaluated: 2024-09-11. Review status: criteria provided, single submitter. Criteria: Ambry Variant Classification Scheme 2023. Collection method: clinical testing. Allele origin: germline.

Labcorp Genetics (formerly Invitae), Labcorp
Classification: Uncertain significance for Progressive myoclonic epilepsy type 3. Last evaluated: 2019-09-26. Review status: criteria provided, single submitter. Criteria: Invitae Variant Classification Sherloc (09022015). Collection method: clinical testing. Allele origin: germline.
Comment: Algorithms developed to predict the effect of missense changes on protein structure and function (SIFT, PolyPhen-2, Align-GVGD) all suggest that this variant is likely to be disruptive, but these predictions have not been confirmed by published functional studies and their clinical significance is uncertain. In summary, the available evidence is currently insufficient to determine the role of this variant in disease. Therefore, it has been classified as a Variant of Uncertain Significance. This variant has not been reported in the literature in individuals with KCTD7-related conditions. This variant is not present in population databases (ExAC no frequency). This sequence change replaces threonine with isoleucine at codon 63 of the KCTD7 protein (p.Thr63Ile). The threonine residue is highly conserved and there is a moderate physicochemical difference between threonine and isoleucine.